The following is an entry in ClinVar:

NM_022773.4(LMF1):c.895C>T (p.Gln299Ter)

Gene: LMF1 (lipase maturation factor 1; minus strand). Cytogenetic location: 16p13.3.
Variant type: single nucleotide variant.
Coding change: c.895C>T on transcript NM_022773.4 (MANE Select); coding-DNA position 895, C replaced by T.
Protein change: p.Gln299Ter; replaces glutamine 299 with a stop codon.
Molecular consequence: nonsense. On other transcripts: non-coding transcript variant (1).
Genome position (GRCh38, 1-based): chr16:879,572, G>A on the plus strand (C>T on the coding strand, the complement: LMF1 is on the minus strand). VCF-style: chr16-879572-G-A. GRCh37 (hg19) VCF-style: chr16-929572-G-A.
Other names: c.895C>T (NM_022773.2); c.244C>T, p.Gln82Ter (NM_001352017.2, NM_001352021.2); c.496C>T, p.Gln166Ter (NM_001352018.2); c.568C>T, p.Gln190Ter (NM_001352019.2); c.895C>T, p.Gln299Ter (NM_001352020.1); short protein forms Q166*, Q190*, Q299*, Q82*.
Identifiers: ClinVar variation 1341517 (VCV001341517.10), dbSNP rs554054538, ClinGen allele CA7797325.

ClinVar aggregate classification (germline): Pathogenic/Likely pathogenic. Review status: criteria provided, multiple submitters, no conflicts (2 of 4 stars). 6 submissions from 6 submitters: Pathogenic (3); Likely pathogenic (3). Last evaluated 2026-03-21.

Conditions:
LMF1-related disorder. Also called: LMF1-related condition.
Cardiovascular phenotype. Identifiers: MedGen CN230736.
Lipase deficiency, combined. Also called: LIPOPROTEIN LIPASE DEFICIENCY WITH HEPATIC TRIGLYCERIDE LIPASE DEFICIENCY; LPL AND HL DEFICIENCY; LPL AND HTGL DEFICIENCY. Identifiers: Orphanet 535453, MedGen C1855498, MONDO:0009527, OMIM 246650.

Allele frequency attached by ClinVar (database versions not stated): ExAC 0.00003; gnomAD 0.00003 and 0.00004; gnomAD exomes 0.00004; TOPMed 0.00005.
gnomAD v4.1: 66 of 1,612,636 alleles (0.0041%); highest among the groups gnomAD compares: Non-Finnish European, 0.0053%; no homozygotes.

Submissions (6):

PreventionGenetics, part of Exact Sciences
Classification: Pathogenic for LMF1-related condition. Last evaluated: 2026-03-21. Review status: criteria provided, single submitter. Criteria: ACMG Guidelines, 2015. Collection method: clinical testing. Allele origin: germline.
Comment: The LMF1 c.895C>T variant is predicted to result in premature protein termination (p.Gln299*). This variant has been reported in the homozygous state in an individual with familial chylomicronemia syndrome (Mendes et al. 2024. PubMed ID: 38933898). This variant has also been reported in a cohort study with dyslipidemias (Table S4, Dron et al. 2020. PubMed ID: 32041611). This variant is reported in 0.0071% of alleles in individuals of European (Non-Finnish) descent in gnomAD. Nonsense variants in LMF1 are expected to be pathogenic. This variant is interpreted as pathogenic.

Labcorp Genetics (formerly Invitae), Labcorp
Classification: Pathogenic. Last evaluated: 2025-10-13. Review status: criteria provided, single submitter. Criteria: Invitae Variant Classification Sherloc (09022015). Collection method: clinical testing. Allele origin: germline.
Comment: This sequence change creates a premature translational stop signal (p.Gln299*) in the LMF1 gene. It is expected to result in an absent or disrupted protein product. Loss-of-function variants in LMF1 are known to be pathogenic (PMID: 17994020, 19820022, 22239554). This variant is present in population databases (rs554054538, gnomAD 0.007%). This premature translational stop signal has been observed in individual(s) with clinical features of LMF1-related conditions (PMID: 32041611, 38933898). ClinVar contains an entry for this variant (Variation ID: 1341517). For these reasons, this variant has been classified as Pathogenic.

Blueprint Genetics
Classification: Likely pathogenic for LMF1-related disorders. Last evaluated: 2024-08-19. Review status: criteria provided, single submitter. Criteria: ACMG Guidelines, 2015. Collection method: clinical testing. Allele origin: germline. Affected: yes. Observed: 5 variant alleles.

Dasa
Classification: Pathogenic for Lipase deficiency, combined. Last evaluated: 2022-02-14. Review status: criteria provided, single submitter. Criteria: ACMG Guidelines, 2015. Collection method: clinical testing. Allele origin: germline. Affected: yes. Observed: 1 variant allele.
Comment: The c.895C>T;p.(Gln299*) variant creates a premature translational stop signal in the LMF1 gene. It is expected to result in an absent or disrupted protein product - PVS1. The variant is present at low allele frequencies population databases (rs554054538 - gnomAD 0.0003285%; ABraOM no frequency) - PM2_supporting. The p.(Gln299*) was detected in a homozygous state in the analyzed sample - PM3. In summary, the currently available evidence indicates that the variant is pathogenic.

AiLife Diagnostics
Classification: Likely pathogenic. Last evaluated: 2021-06-10. Review status: criteria provided, single submitter. Criteria: ACMG Guidelines, 2015. Collection method: clinical testing. Allele origin: germline. Affected: yes. Observed: 1 variant allele.

Ambry Genetics
Classification: Likely pathogenic for Cardiovascular phenotype. Last evaluated: 2019-10-17. Review status: criteria provided, single submitter. Criteria: Ambry Variant Classification Scheme 2023. Collection method: clinical testing. Allele origin: germline.
Comment: The p.Q299* variant (also known as c.895C>T), located in coding exon 6 of the LMF1 gene, results from a C to T substitution at nucleotide position 895. This changes the amino acid from a glutamine to a stop codon within coding exon 6. This alteration is expected to result in loss of function by premature protein truncation or nonsense-mediated mRNA decay. While not definitively established, loss of function is likely the mechanism of disease for LMF1. As such, this variant is likely to be pathogenic.

Literature cited by the submitters: PubMed 17994020 (cited by Labcorp Genetics (formerly Invitae), Labcorp); PubMed 19820022 (cited by Labcorp Genetics (formerly Invitae), Labcorp); PubMed 22239554 (cited by Labcorp Genetics (formerly Invitae), Labcorp); PubMed 32041611 (cited by Labcorp Genetics (formerly Invitae), Labcorp and AiLife Diagnostics); PubMed 38933898 (cited by Labcorp Genetics (formerly Invitae), Labcorp); PubMed 31980526 (cited by AiLife Diagnostics).